The following is an entry in ClinVar:

NM_001289104.2(PRKCSH):c.339G>C (p.Glu113Asp)

Gene: PRKCSH (PRKCSH beta subunit of glucosidase II; plus strand). Cytogenetic location: 19p13.2.
Variant type: single nucleotide variant.
Coding change: c.339G>C on transcript NM_001289104.2 (MANE Select); coding-DNA position 339, G replaced by C.
Protein change: p.Glu113Asp; replaces glutamic acid 113 with aspartic acid.
Molecular consequence: missense variant.
Genome position (GRCh38, 1-based): chr19:11,438,113, G>C. VCF-style: chr19-11438113-G-C. GRCh37 (hg19) VCF-style: chr19-11548934-G-C.
Other names: c.339G>C, p.Glu113Asp (NM_001001329.3, NM_001289102.2, NM_001289103.2 and 3 more transcripts); short protein forms E113D.
Identifiers: ClinVar variation 1707932 (VCV001707932.2), dbSNP rs1352818565, ClinGen allele CA404132272.
Genomic context (GRCh38, chr19:11,438,113, plus strand): 5'-TGCCTCTGCCACAGACTGCTGCGATGGAACAGACGAGTACAACAGCGGCGTCATCTGTGA[G>C]AACACCTGCAAGTACGTGGGTGACAGTACCCCTCCCATCACCCCACCCCAAGACTTTGCC-3'
Protein context (NP_001276033.1, residues 103-123): TDEYNSGVIC[Glu113Asp]NTCKEKGRKE

ClinVar aggregate classification (germline): Uncertain significance (1 of 4 stars; one submission).

Allele frequency attached by ClinVar (database versions not stated): gnomAD exomes below 0.00001.
gnomAD v4.1: 3 of 1,614,102 alleles (0.00019%); highest among the groups gnomAD compares: Non-Finnish European, 0.00025%; no homozygotes.

Submission:

GeneDx
Classification: Uncertain significance. Last evaluated: 2022-03-28. Review status: criteria provided, single submitter. Criteria: GeneDx Variant Classification Process June 2021. Collection method: clinical testing. Allele origin: germline. Affected: yes.
Comment: Not observed at significant frequency in large population cohorts (gnomAD); In silico analysis supports that this missense variant does not alter protein structure/function; Has not been previously published as pathogenic or benign to our knowledge